The following is an entry in ClinVar:

ClinVar aggregate classification (germline): Likely benign (1 of 4 stars; one submission).

Allele frequency attached by ClinVar (database versions not stated): 1000 Genomes Project 30x 0.00125; 1000 Genomes Project 0.00140; TOPMed 0.00386; ESP Exome Variant Server 0.00546; ExAC 0.00600; gnomAD 0.00606.
gnomAD v4.1: 9,239 of 1,614,022 alleles (0.57%); highest among the groups gnomAD compares: Non-Finnish European, 0.51%; 58 homozygotes.

Submission:

CeGaT Center for Human Genetics Tuebingen
Classification: Likely benign. Last evaluated: 2023-04-01. Review status: criteria provided, single submitter. Criteria: CeGaT Center For Human Genetics Tuebingen Variant Classification Criteria Version 2. Collection method: clinical testing. Allele origin: germline. Affected: yes. Observed: 1 variant allele.
Comment: BOD1L1: BP4, BS2

NM_148894.3(BOD1L1):c.5324A>C (p.Gln1775Pro)

Gene: BOD1L1 (biorientation of chromosomes in cell division 1 like 1; minus strand). Cytogenetic location: 4p15.33.
Variant type: single nucleotide variant.
Coding change: c.5324A>C on transcript NM_148894.3 (MANE Select); coding-DNA position 5324, A replaced by C.
Protein change: p.Gln1775Pro; replaces glutamine 1775 with proline.
Molecular consequence: missense variant.
Genome position (GRCh38, 1-based): chr4:13,601,576, T>G on the plus strand (A>C on the coding strand, the complement: BOD1L1 is on the minus strand). VCF-style: chr4-13601576-T-G. GRCh37 (hg19) VCF-style: chr4-13603200-T-G.
Other names: short protein forms Q1775P.
Identifiers: ClinVar variation 2654678 (VCV002654678.24), dbSNP rs61995954, ClinGen allele CA2861489.